The following is an entry in ClinVar:

ClinVar aggregate classification (germline): Uncertain significance (1 of 4 stars; one submission).

Submission:

Ambry Genetics
Classification: Uncertain significance. Last evaluated: 2024-03-16. Review status: criteria provided, single submitter. Criteria: Ambry Variant Classification Scheme 2023. Collection method: clinical testing. Allele origin: germline.
Comment: The p.M81I variant (also known as c.243G>T), located in coding exon 2 of the BUB3 gene, results from a G to T substitution at nucleotide position 243. The methionine at codon 81 is replaced by isoleucine, an amino acid with highly similar properties. This amino acid position is conserved. In addition, this alteration is predicted to be tolerated by in silico analysis. Based on the available evidence, the clinical significance of this alteration remains unclear.

NM_004725.4(BUB3):c.243G>T (p.Met81Ile)

Gene: BUB3 (BUB3 mitotic checkpoint protein; plus strand). Cytogenetic location: 10q26.13.
Variant type: single nucleotide variant.
Coding change: c.243G>T on transcript NM_004725.4 (MANE Select); coding-DNA position 243, G replaced by T.
Protein change: p.Met81Ile; replaces methionine 81 with isoleucine.
Molecular consequence: missense variant.
Genome position (GRCh38, 1-based): chr10:123,155,705, G>T. VCF-style: chr10-123155705-G-T. GRCh37 (hg19) VCF-style: chr10-124915221-G-T.
Other names: c.243G>T, p.Met81Ile (NM_001007793.3); short protein forms M81I.
Identifiers: ClinVar variation 3262286 (VCV003262286.1).
Genomic context (GRCh38, chr10:123,155,705, plus strand): 5'-AACTATTTTATAGGATCCAACGCATGCCTGGAGTGGAGGACTAGATCATCAATTGAAAAT[G>T]CATGATTTGAACACTGATCAAGGTAATGTGACCATATCTTTACCAGTTTGTTTTCTTGGC-3'
Protein context (NP_004716.1, residues 71-91): WSGGLDHQLK[Met81Ile]HDLNTDQENL